The following is an entry in ClinVar:

ClinVar aggregate classification (germline): Uncertain significance (1 of 4 stars; one submission).

Conditions:
Cohen syndrome (COH1). Also called: PEPPER SYNDROME; Cutis verticis gyrata, retinitis pigmentosa, and sensorineural deafness. Identifiers: Orphanet 193, MedGen C0265223, MONDO:0008999, OMIM 216550.

Submission:

Labcorp Genetics (formerly Invitae), Labcorp
Classification: Uncertain significance for Cohen syndrome. Last evaluated: 2019-01-20. Review status: criteria provided, single submitter. Criteria: Invitae Variant Classification Sherloc (09022015). Collection method: clinical testing. Allele origin: germline.
Comment: This sequence change replaces valine with methionine at codon 1895 of the VPS13B protein (p.Val1895Met). The valine residue is weakly conserved and there is a small physicochemical difference between valine and methionine. In summary, the available evidence is currently insufficient to determine the role of this variant in disease. Therefore, it has been classified as a Variant of Uncertain Significance. Algorithms developed to predict the effect of missense changes on protein structure and function output the following: SIFT: "Tolerated"; PolyPhen-2: "Benign"; Align-GVGD: "Class C0". The methionine amino acid residue is found in multiple mammalian species, suggesting that this missense change does not adversely affect protein function. These predictions have not been confirmed by published functional studies and their clinical significance is uncertain. This variant has not been reported in the literature in individuals with VPS13B-related conditions. This variant is not present in population databases (ExAC no frequency).

NM_152564.5(VPS13B):c.5608G>A (p.Val1870Met)

Gene: VPS13B (vacuolar protein sorting 13 homolog B; plus strand). Cytogenetic location: 8q22.2.
Variant type: single nucleotide variant.
Coding change: c.5608G>A on transcript NM_152564.5 (MANE Select); coding-DNA position 5608, G replaced by A.
Protein change: p.Val1870Met; replaces valine 1870 with methionine.
Molecular consequence: missense variant.
Genome position (GRCh38, 1-based): chr8:99,642,198, G>A. VCF-style: chr8-99642198-G-A. GRCh37 (hg19) VCF-style: chr8-100654426-G-A.
Other names: c.5683G>A, p.Val1895Met (NM_017890.5); short protein forms V1870M, V1895M.
Identifiers: ClinVar variation 856910 (VCV000856910.8), dbSNP rs1829397607, ClinGen allele CA371872932.